The following is an entry in ClinVar:

NM_015041.3(CLUAP1):c.1061G>C (p.Gly354Ala)

Gene: CLUAP1 (clusterin associated protein 1; plus strand). Cytogenetic location: 16p13.3.
Variant type: single nucleotide variant.
Coding change: c.1061G>C on transcript NM_015041.3 (MANE Select); coding-DNA position 1061, G replaced by C.
Protein change: p.Gly354Ala; replaces glycine 354 with alanine.
Molecular consequence: missense variant.
Genome position (GRCh38, 1-based): chr16:3,532,810, G>C. VCF-style: chr16-3532810-G-C. GRCh37 (hg19) VCF-style: chr16-3582810-G-C.
Other names: c.1061G>C, p.Gly354Ala (NM_001330454.2); c.563G>C, p.Gly188Ala (NM_024793.3); short protein forms G188A, G354A.
Identifiers: ClinVar variation 2125159 (VCV002125159.4), dbSNP rs1276578792, ClinGen allele CA394515798.

ClinVar aggregate classification (germline): Uncertain significance (1 of 4 stars; one submission).

Allele frequency attached by ClinVar (database versions not stated): gnomAD 0.00001; TOPMed 0.00001.
gnomAD v4.1: 4 of 1,613,950 alleles (0.00025%); highest among the groups gnomAD compares: African/African-American, 0.0053%; no homozygotes.

Submission:

Labcorp Genetics (formerly Invitae), Labcorp
Classification: Uncertain significance. Last evaluated: 2022-11-29. Review status: criteria provided, single submitter. Criteria: Invitae Variant Classification Sherloc (09022015). Collection method: clinical testing. Allele origin: germline.
Comment: This variant is present in population databases (no rsID available, gnomAD 0.007%). This variant has not been reported in the literature in individuals affected with CLUAP1-related conditions. Advanced modeling of protein sequence and biophysical properties (such as structural, functional, and spatial information, amino acid conservation, physicochemical variation, residue mobility, and thermodynamic stability) performed at Invitae indicates that this missense variant is not expected to disrupt CLUAP1 protein function. In summary, the available evidence is currently insufficient to determine the role of this variant in disease. Therefore, it has been classified as a Variant of Uncertain Significance. This sequence change replaces glycine, which is neutral and non-polar, with alanine, which is neutral and non-polar, at codon 354 of the CLUAP1 protein (p.Gly354Ala).